The following is an entry in ClinVar:

ClinVar aggregate classification (germline): Uncertain significance (1 of 4 stars; one submission).

Conditions:
Cardiovascular phenotype. Identifiers: MedGen CN230736.

Submission:

Ambry Genetics
Classification: Uncertain significance for Cardiovascular phenotype. Last evaluated: 2026-07-02. Review status: criteria provided, single submitter. Criteria: Ambry Variant Classification Scheme 2023. Collection method: clinical testing. Allele origin: germline.
Comment: The p.I2386V variant (also known as c.7156A>G), located in coding exon 26 of the APOB gene, results from an A to G substitution at nucleotide position 7156. The isoleucine at codon 2386 is replaced by valine, an amino acid with highly similar properties. This amino acid position is conserved. In addition, this alteration is predicted to be tolerated by in silico analysis. Based on the available evidence, the clinical significance of this variant remains unclear.

NM_000384.3(APOB):c.7156A>G (p.Ile2386Val)

Gene: APOB (apolipoprotein B; minus strand). Cytogenetic location: 2p24.1.
Variant type: single nucleotide variant.
Coding change: c.7156A>G on transcript NM_000384.3 (MANE Select); coding-DNA position 7156, A replaced by G.
Protein change: p.Ile2386Val; replaces isoleucine 2386 with valine.
Molecular consequence: missense variant.
Genome position (GRCh38, 1-based): chr2:21,009,712, T>C on the plus strand (A>G on the coding strand, the complement: APOB is on the minus strand). VCF-style: chr2-21009712-T-C. GRCh37 (hg19) VCF-style: chr2-21232584-T-C.
Other names: short protein forms I2386V.
Identifiers: ClinVar variation 5027142 (VCV005027142.1).